The following is an entry in ClinVar:

NM_002875.5(RAD51):c.526G>T (p.Glu176Ter)

Gene: RAD51 (RAD51 recombinase; plus strand). Cytogenetic location: 15q15.1.
Variant type: single nucleotide variant.
Coding change: c.526G>T on transcript NM_002875.5 (MANE Select); coding-DNA position 526, G replaced by T.
Protein change: p.Glu176Ter; replaces glutamic acid 176 with a stop codon.
Molecular consequence: nonsense.
Genome position (GRCh38, 1-based): chr15:40,718,895, G>T. VCF-style: chr15-40718895-G-T. GRCh37 (hg19) VCF-style: chr15-41011093-G-T.
Other names: c.529G>T, p.Glu177Ter (NM_001164269.2, NM_133487.4); c.526G>T, p.Glu176Ter (NM_001164270.2); short protein forms E176*, E177*.
Identifiers: ClinVar variation 2501636 (VCV002501636.2), dbSNP rs2141857623, ClinGen allele CA391753687.

ClinVar aggregate classification (germline): Uncertain significance (1 of 4 stars; one submission).

Submission:

GeneDx
Classification: Uncertain significance. Last evaluated: 2025-07-18. Review status: criteria provided, single submitter. Criteria: GeneDx Variant Classification Process June 2021. Collection method: clinical testing. Allele origin: germline. Affected: yes.
Comment: Not observed at significant frequency in large population cohorts (gnomAD); Nonsense variant predicted to result in protein truncation or nonsense mediated decay a gene or region of a gene for which loss of function is not a well-established mechanism of disease; Has not been previously published as pathogenic or benign to our knowledge